The following is an entry in ClinVar:

NM_033305.3(VPS13A):c.2593C>A (p.Arg865=)

Gene: VPS13A (vacuolar protein sorting 13 homolog A; plus strand). Cytogenetic location: 9q21.2.
Variant type: single nucleotide variant.
Coding change: c.2593C>A on transcript NM_033305.3 (MANE Select); coding-DNA position 2593, C replaced by A.
Protein change: p.Arg865=; no amino-acid change (arginine 865 retained).
Molecular consequence: synonymous variant.
Genome position (GRCh38, 1-based): chr9:77,275,578, C>A. VCF-style: chr9-77275578-C-A. GRCh37 (hg19) VCF-style: chr9-79890494-C-A.
Other names: c.2593C>A, p.Arg865= (NM_001018037.2, NM_001018038.3, NM_015186.4).
Identifiers: ClinVar variation 1636320 (VCV001636320.14), dbSNP rs766404788, ClinGen allele CA465537789.

ClinVar aggregate classification (germline): Likely benign. Review status: criteria provided, multiple submitters, no conflicts (2 of 4 stars). 2 submissions from 2 submitters: Likely benign (2). Last evaluated 2025-11-01.

Submissions (2):

CeGaT Center for Human Genetics Tuebingen
Classification: Likely benign. Last evaluated: 2025-11-01. Review status: criteria provided, single submitter. Criteria: CeGaT Center For Human Genetics Tuebingen Variant Classification Criteria Version 2. Collection method: clinical testing. Allele origin: germline. Affected: yes. Observed: 1 variant allele.
Comment: VPS13A: PM2:Supporting, BP4, BP7

Labcorp Genetics (formerly Invitae), Labcorp
Classification: Likely benign. Last evaluated: 2024-01-12. Review status: criteria provided, single submitter. Criteria: Invitae Variant Classification Sherloc (09022015). Collection method: clinical testing. Allele origin: germline.